The following is an entry in ClinVar:

ClinVar aggregate classification (germline): Pathogenic (1 of 4 stars; one submission).

Submission:

Labcorp Genetics (formerly Invitae), Labcorp
Classification: Pathogenic. Last evaluated: 2024-09-30. Review status: criteria provided, single submitter. Criteria: Invitae Variant Classification Sherloc (09022015). Collection method: clinical testing. Allele origin: germline.
Comment: This sequence change creates a premature translational stop signal (p.Trp92*) in the NTHL1 gene. It is expected to result in an absent or disrupted protein product. Loss-of-function variants in NTHL1 are known to be pathogenic (PMID: 25938944, 26559593). This variant is not present in population databases (gnomAD no frequency). This variant has not been reported in the literature in individuals affected with NTHL1-related conditions. For these reasons, this variant has been classified as Pathogenic.

Literature cited by the submitters: PubMed 25938944; PubMed 26559593.

NM_002528.7(NTHL1):c.251G>A (p.Trp84Ter)

Gene: NTHL1 (nth like DNA glycosylase 1; minus strand). Cytogenetic location: 16p13.3.
Variant type: single nucleotide variant.
Coding change: c.251G>A on transcript NM_002528.7 (MANE Select); coding-DNA position 251, G replaced by A.
Protein change: p.Trp84Ter; replaces tryptophan 84 with a stop codon.
Molecular consequence: nonsense. On other transcripts: intron variant (1).
Genome position (GRCh38, 1-based): chr16:2,046,231, C>T on the plus strand (G>A on the coding strand, the complement: NTHL1 is on the minus strand). VCF-style: chr16-2046231-C-T. GRCh37 (hg19) VCF-style: chr16-2096232-C-T.
Other names: c.251G>A, p.Trp84Ter (NM_001318193.2); c.24+49G>A (NM_001318194.2); short protein forms W84*.
Identifiers: ClinVar variation 3721871 (VCV003721871.2).
Genomic context (GRCh38, chr16:2,046,231, plus strand): 5'-TGGTCCACAGGTGCATCCTTTTTGTTCCTCATGGCACGGATGTTGACCAGCTGTTGCTGC[C>T]AGTCCTGGGGCTCCCAGACTGGCACCTTGAGGGGCTCAGCCCCCTCACCTTTCTCACTGT-3'